The following is an entry in ClinVar:

ClinVar aggregate classification (germline): Uncertain significance (1 of 4 stars; one submission).

Submission:

Laboratory for Molecular Medicine, Mass General Brigham Personalized Medicine
Classification: Uncertain significance. Last evaluated: 2017-09-22. Review status: criteria provided, single submitter. Criteria: LMM Criteria. Collection method: clinical testing. Allele origin: germline. Observed: 1 variant allele.
Comment: The c.-208G>T variant in GJB2 has not been previously reported in individuals wi th hearing loss. Data from large population studies is not sufficient to determ ine the frequency of this variant. This variant is located in the 5' UTR, and th e impact of this variant cannot be determined. In summary, the clinical signfic ance of the -208G>T variant is uncertain.

NC_000013.11:g.20192968C>A

Gene: GJB2 (gap junction protein beta 2; minus strand). Cytogenetic location: 13q12.11.
Variant type: single nucleotide variant.
Genome position: GRCh38 VCF-style: chr13-20192968-C-A. GRCh37 (hg19) VCF-style: chr13-20767107-C-A.
Identifiers: ClinVar variation 517591 (VCV000517591.5), dbSNP rs1555342246, ClinGen allele CA658797995.